The following is an entry in ClinVar:

ClinVar aggregate classification (germline): Uncertain significance (1 of 4 stars; one submission).

Conditions:
Long QT syndrome (LQTS). Identifiers: MedGen C0023976, MeSH D008133, MONDO:0002442. Disease mechanism: loss of function. Inheritance: Various modes of inheritance.

Submission:

Labcorp Genetics (formerly Invitae), Labcorp
Classification: Uncertain significance for Long QT syndrome. Last evaluated: 2021-11-11. Review status: criteria provided, single submitter. Criteria: Invitae Variant Classification Sherloc (09022015). Collection method: clinical testing. Allele origin: germline.
Comment: In summary, the available evidence is currently insufficient to determine the role of this variant in disease. Therefore, it has been classified as a Variant of Uncertain Significance. This sequence change replaces glutamic acid, which is acidic and polar, with valine, which is neutral and non-polar, at codon 91 of the KCNH2 protein (p.Glu91Val). This variant is not present in population databases (gnomAD no frequency). This variant has not been reported in the literature in individuals affected with KCNH2-related conditions. Algorithms developed to predict the effect of missense changes on protein structure and function are either unavailable or do not agree on the potential impact of this missense change (SIFT: "Deleterious"; PolyPhen-2: "Possibly Damaging"; Align-GVGD: "Class C0"). Algorithms developed to predict the effect of sequence changes on RNA splicing suggest that this variant may create or strengthen a splice site.

NM_000238.4(KCNH2):c.272A>T (p.Glu91Val)

Gene: KCNH2 (potassium voltage-gated channel subfamily H member 2; minus strand). Cytogenetic location: 7q36.1.
Variant type: single nucleotide variant.
Coding change: c.272A>T on transcript NM_000238.4 (MANE Select); coding-DNA position 272, A replaced by T.
Protein change: p.Glu91Val; replaces glutamic acid 91 with valine.
Molecular consequence: missense variant.
Genome position (GRCh38, 1-based): chr7:150,974,746, T>A on the plus strand (A>T on the coding strand, the complement: KCNH2 is on the minus strand). VCF-style: chr7-150974746-T-A. GRCh37 (hg19) VCF-style: chr7-150671834-T-A.
Other names: c.95A>T, p.Glu32Val (NM_001406755.1); c.272A>T, p.Glu91Val (NM_172056.3); short protein forms E91V, E32V.
Identifiers: ClinVar variation 1472758 (VCV001472758.7), dbSNP rs1299190345, ClinGen allele CA369865390.